The following is an entry in ClinVar:

NM_000179.3(MSH6):c.4069A>G (p.Ile1357Val)

Gene: MSH6 (mutS homolog 6; plus strand). Cytogenetic location: 2p16.3.
Variant type: single nucleotide variant.
Coding change: c.4069A>G on transcript NM_000179.3 (MANE Select); coding-DNA position 4069, A replaced by G.
Protein change: p.Ile1357Val; replaces isoleucine 1357 with valine.
Molecular consequence: missense variant.
Genome position (GRCh38, 1-based): chr2:47,806,846, A>G. VCF-style: chr2-47806846-A-G. GRCh37 (hg19) VCF-style: chr2-48033985-A-G.
Other names: c.3679A>G, p.Ile1227Val (NM_001281492.2); c.3163A>G, p.Ile1055Val (NM_001281493.2, NM_001281494.2); short protein forms I1055V, I1227V, I1357V.
Identifiers: ClinVar variation 1358757 (VCV001358757.6), dbSNP rs2104585148, ClinGen allele CA346761751.

ClinVar aggregate classification (germline): Uncertain significance (1 of 4 stars; one submission).

Conditions:
Hereditary nonpolyposis colorectal neoplasms. Identifiers: MedGen C0009405, MeSH D003123.

Submission:

Labcorp Genetics (formerly Invitae), Labcorp
Classification: Uncertain significance for Hereditary nonpolyposis colorectal neoplasms. Last evaluated: 2021-10-12. Review status: criteria provided, single submitter. Criteria: Invitae Variant Classification Sherloc (09022015). Collection method: clinical testing. Allele origin: germline.
Comment: In summary, the available evidence is currently insufficient to determine the role of this variant in disease. Therefore, it has been classified as a Variant of Uncertain Significance. Advanced modeling of protein sequence and biophysical properties (such as structural, functional, and spatial information, amino acid conservation, physicochemical variation, residue mobility, and thermodynamic stability) performed at Invitae indicates that this missense variant is not expected to disrupt MSH6 protein function. This variant has not been reported in the literature in individuals affected with MSH6-related conditions. This variant is not present in population databases (ExAC no frequency). This sequence change replaces isoleucine with valine at codon 1357 of the MSH6 protein (p.Ile1357Val). The isoleucine residue is weakly conserved and there is a small physicochemical difference between isoleucine and valine.